The following is an entry in ClinVar:

NM_000368.5(TSC1):c.403G>C (p.Val135Leu)

Gene: TSC1 (TSC complex subunit 1; minus strand). Cytogenetic location: 9q34.13.
Variant type: single nucleotide variant.
Coding change: c.403G>C on transcript NM_000368.5 (MANE Select); coding-DNA position 403, G replaced by C.
Protein change: p.Val135Leu; replaces valine 135 with leucine.
Molecular consequence: missense variant.
Genome position (GRCh38, 1-based): chr9:132,923,453, C>G on the plus strand (G>C on the coding strand, the complement: TSC1 is on the minus strand). VCF-style: chr9-132923453-C-G. GRCh37 (hg19) VCF-style: chr9-135798840-C-G.
Other names: c.403G>C, p.Val135Leu (NM_001162426.2); c.250G>C, p.Val84Leu (NM_001162427.2); c.40G>C, p.Val14Leu (NM_001362177.2); short protein forms V135L, V84L, V14L.
Identifiers: ClinVar variation 965906 (VCV000965906.11), dbSNP rs1588350708, ClinGen allele CA375373602.

ClinVar aggregate classification (germline): Uncertain significance. Review status: criteria provided, multiple submitters, no conflicts (2 of 4 stars). 3 submissions from 3 submitters: Uncertain significance (3). Last evaluated 2025-08-24.

Conditions:
Hereditary cancer-predisposing syndrome. Also called: Hereditary neoplastic syndrome; Hereditary Cancer Syndrome; Tumor predisposition; Neoplastic Syndromes, Hereditary. Identifiers: Orphanet 140162, MedGen C0027672, MeSH D009386, MONDO:0015356.
Tuberous sclerosis 1 (TSC1). Identifiers: Orphanet 805, MedGen C1854465, MONDO:0008612, OMIM 191100.

Allele frequency attached by ClinVar (database versions not stated): gnomAD exomes below 0.00001.
gnomAD v4.1: 2 of 1,614,140 alleles (0.00012%); highest among the groups gnomAD compares: Non-Finnish European, 0.00017%; no homozygotes.

Submissions (3):

Labcorp Genetics (formerly Invitae), Labcorp
Classification: Uncertain significance for Tuberous sclerosis 1. Last evaluated: 2025-08-24. Review status: criteria provided, single submitter. Criteria: Invitae Variant Classification Sherloc (09022015). Collection method: clinical testing. Allele origin: germline.
Comment: This sequence change replaces valine, which is neutral and non-polar, with leucine, which is neutral and non-polar, at codon 135 of the TSC1 protein (p.Val135Leu). This variant is not present in population databases (gnomAD no frequency). This variant has not been reported in the literature in individuals affected with TSC1-related conditions. ClinVar contains an entry for this variant (Variation ID: 965906). Invitae Evidence Modeling of protein sequence and biophysical properties (such as structural, functional, and spatial information, amino acid conservation, physicochemical variation, residue mobility, and thermodynamic stability) indicates that this missense variant is not expected to disrupt TSC1 protein function with a negative predictive value of 95%. In summary, the available evidence is currently insufficient to determine the role of this variant in disease. Therefore, it has been classified as a Variant of Uncertain Significance.

GeneDx
Classification: Uncertain significance. Last evaluated: 2024-02-07. Review status: criteria provided, single submitter. Criteria: GeneDx Variant Classification Process June 2021. Collection method: clinical testing. Allele origin: germline. Affected: yes.
Comment: Not observed at significant frequency in large population cohorts (gnomAD); In silico analysis supports that this missense variant does not alter protein structure/function; Has not been previously published as pathogenic or benign to our knowledge

Ambry Genetics
Classification: Uncertain significance for Hereditary cancer-predisposing syndrome. Last evaluated: 2023-10-25. Review status: criteria provided, single submitter. Criteria: Ambry Variant Classification Scheme 2023. Collection method: clinical testing. Allele origin: germline.
Comment: The p.V135L variant (also known as c.403G>C), located in coding exon 4 of the TSC1 gene, results from a G to C substitution at nucleotide position 403. The valine at codon 135 is replaced by leucine, an amino acid with highly similar properties. This amino acid position is conserved. In addition, this alteration is predicted to be deleterious by in silico analysis. Since supporting evidence is limited at this time, the clinical significance of this alteration remains unclear.